The following is an entry in ClinVar:

ClinVar aggregate classification (germline): Likely benign (1 of 4 stars; one submission).

gnomAD v4.1: 889 of 1,613,980 alleles (0.055%); highest among the groups gnomAD compares: South Asian, 0.89%; 13 homozygotes.

Submission:

CeGaT Center for Human Genetics Tuebingen
Classification: Likely benign. Last evaluated: 2025-04-01. Review status: criteria provided, single submitter. Criteria: CeGaT Center For Human Genetics Tuebingen Variant Classification Criteria Version 2. Collection method: clinical testing. Allele origin: germline. Affected: yes. Observed: 1 variant allele.
Comment: TBP: BS2

NM_003194.5(TBP):c.984C>T (p.Ile328=)

Gene: TBP (TATA-box binding protein; plus strand). Cytogenetic location: 6q27.
Variant type: single nucleotide variant.
Coding change: c.984C>T on transcript NM_003194.5 (MANE Select); coding-DNA position 984, C replaced by T.
Protein change: p.Ile328=; no amino-acid change (isoleucine 328 retained).
Molecular consequence: synonymous variant.
Genome position (GRCh38, 1-based): chr6:170,572,229, C>T. VCF-style: chr6-170572229-C-T. GRCh37 (hg19) VCF-style: chr6-170881317-C-T.
Other names: c.924C>T, p.Ile308= (NM_001172085.2).
Identifiers: ClinVar variation 3898219 (VCV003898219.7).
Genomic context (GRCh38, chr6:170,572,229, plus strand): 5'-CCAACTTGTCTTCTTAGGTGCTAAAGTCAGAGCAGAAATTTATGAAGCATTTGAAAACAT[C>T]TACCCTATTCTAAAGGGATTCAGGAAGACGACGTAATGGCTCTCATGTACCCTTGCCTCC-3'
Protein context (NP_003185.1, residues 318-338): RAEIYEAFEN[Ile328=]YPILKGFRKT